The following is an entry in ClinVar:

ClinVar aggregate classification (germline): Pathogenic/Likely pathogenic. Review status: criteria provided, multiple submitters, no conflicts (2 of 4 stars). 10 submissions from 10 submitters: Pathogenic (4); Likely pathogenic (2). 4 of the submissions do not count toward it. Last evaluated 2025-11-10.

Conditions:
ABCC9-related disorder. Also called: ABCC9-related disorders; ABCC9-related condition.
Cardiovascular phenotype. Identifiers: MedGen CN230736.
Hypertrichotic osteochondrodysplasia Cantu type. Also called: Cantu Syndrome; Cantú Syndrome. Identifiers: Orphanet 1517, MedGen C0795905, MONDO:0009406, OMIM 239850.
Dilated cardiomyopathy 1O (CMD1O). Also called: CARDIOMYOPATHY, DILATED, WITH VENTRICULAR TACHYCARDIA. Identifiers: Orphanet 154, MedGen C1837839, MONDO:0012062, OMIM 608569.
Kleefstra syndrome 1 (KLEFS1). Identifiers: Orphanet 261494, MedGen C0795833, MONDO:0027407, OMIM 610253.

Submissions (10):

3billion
Classification: Pathogenic for Hypertrichotic osteochondrodysplasia Cantu type. Last evaluated: 2025-11-10. Review status: criteria provided, single submitter. Criteria: ACMG Guidelines, 2015. Collection method: clinical testing. Allele origin: germline. Affected: yes.
Comment: The variant is not observed in the gnomAD v4.1.0 dataset. Predicted Consequence/Location: Missense variant. Missense changes are a common disease-causing mechanism. In silico tool predictions suggest damaging effect of the variant on gene or gene product [REVEL: 0.78 (>=0.6, sensitivity 0.68 and specificity 0.92); 3Cnet: 0.98 (> 0.75, sensitivity 0.96 and precision 0.92)]. The same nucleotide change resulting in the same amino acid change has been previously reported as pathogenic/likely pathogenic with strong evidence (ClinVar ID: VCV000035534 /PMID: 22610116). Different missense changes at the same codon (p.Arg1116Gly, p.Arg1116His, p.Arg1116Leu) have been reported as pathogenic/likely pathogenic with strong evidence (ClinVar ID: VCV000035533, VCV000387946, VCV001711337 /PMID: 22610116, 31828977). Therefore, this variant is classified as Pathogenic according to the recommendation of ACMG/AMP guideline.

Blueprint Genetics
Classification: Pathogenic for ABCC9-related disorders. Last evaluated: 2024-03-26. Review status: criteria provided, single submitter. Criteria: ACMG Guidelines, 2015. Collection method: clinical testing. Allele origin: germline. Affected: yes. Observed: 3 variant alleles.

GeneDx
Classification: Pathogenic. Last evaluated: 2024-03-07. Review status: criteria provided, single submitter. Criteria: GeneDx Variant Classification Process June 2021. Collection method: clinical testing. Allele origin: germline. Affected: yes.
Comment: Not observed at significant frequency in large population cohorts (gnomAD); In silico analysis supports that this missense variant has a deleterious effect on protein structure/function; This variant is associated with the following publications: (PMID: 27316244, 21344641, 32371413, 34056838, 22610116, 31828977)

Ambry Genetics
Classification: Likely pathogenic for Cardiovascular phenotype. Last evaluated: 2019-09-11. Review status: criteria provided, single submitter. Criteria: Ambry Variant Classification Scheme 2023. Collection method: clinical testing. Allele origin: germline.
Comment: The p.R1116C variant (also known as c.3346C>T), located in coding exon 27 of the ABCC9 gene, results from a C to T substitution at nucleotide position 3346. The arginine at codon 1116 is replaced by cysteine, an amino acid with highly dissimilar properties. This variant has been reported in individuals reported to have Cant&uacute; syndrome, and was reported to segregate with Cant&uacute; syndrome-associated features in one family (Harakalova M et al. Nat. Genet., 2012 May;44:793-6; Leon Guerrero CR et al. Neurology, 2016 07;87:270-6). A different variant affecting this codon (p.R1116H, c.3347G>A) has also been reported in association with Cant&uacute; syndrome, including de novo occurrence (Harakalova M et al. Nat. Genet., 2012 May;44:793-6; Czeschik JC et al. Am. J. Med. Genet. A, 2013 Feb;161A:295-300; Zhu X et al. Genet. Med., 2015 Oct;17:774-81). This amino acid position is highly conserved in available vertebrate species. In addition, this alteration is predicted to be deleterious by in silico analysis. Based on the majority of available evidence to date, this variant is likely to be pathogenic.

Labcorp Genetics (formerly Invitae), Labcorp
Classification: Pathogenic for Dilated cardiomyopathy 1O. Last evaluated: 2019-01-09. Review status: criteria provided, single submitter. Criteria: Invitae Variant Classification Sherloc (09022015). Collection method: clinical testing. Allele origin: germline.
Comment: This variant disrupts the p.Arg1116 amino acid residue in ABCC9. Other variant(s) that disrupt this residue have been observed in individuals with ABCC9-related conditions (PMID: 25590979, 23307537, 22610116), suggesting that it is a clinically significant residue. As a result, variants that disrupt this residue are likely to be causative of disease. Algorithms developed to predict the effect of missense changes on protein structure and function are either unavailable or do not agree on the potential impact of this missense change (SIFT: "Deleterious"; PolyPhen-2: "Probably Damaging"; Align-GVGD: "Class C0"). This variant has been reported in individuals with Cantu syndrome and observed to segregate with clinical features of Cantu syndrome in a family, and observed de novo in an individual with clinical features of Cantu syndrome (PMID: 22610116, 27316244, Invitae). ClinVar contains an entry for this variant (Variation ID: 35534). This variant is not present in population databases (ExAC no frequency). This sequence change replaces arginine with cysteine at codon 1116 of the ABCC9 protein (p.Arg1116Cys). The arginine residue is moderately conserved and there is a large physicochemical difference between arginine and cysteine. For these reasons, this variant has been classified as Pathogenic.

Institute for Genomic Medicine (IGM) Clinical Laboratory, Nationwide Children's Hospital
Classification: Likely pathogenic for Kleefstra syndrome 1. Last evaluated: 2018-06-11. Review status: criteria provided, single submitter. Criteria: ACMG Guidelines, 2015. Collection method: clinical testing. Allele origin: germline. Affected: yes.
Comment: [ACMG/AMP: PM2, PM5, PP2, PP3, PP5] This alteration is absent from or rarely observed in large-scale population databases [PM2], is a novel missense change at an amino residue where a different missense change has been deemed to be pathogenic [PM5], is a missense variant in a gene in which missense variants are a common mechanism of disease [PP2], is predicted to be damaging by multiple functional prediction tools [PP3], was reported as a pathogenic/likely pathogenic alteration by a reputable source (ClinVar or other correspondence from a clinical testing laboratory) [PP5].

OMIM
Classification: Pathogenic for HYPERTRICHOTIC OSTEOCHONDRODYSPLASIA. Last evaluated: 2012-05-18. Review status: no assertion criteria provided. Collection method: literature only. Allele origin: germline. Not counted in ClinVar's aggregate classification.

Department of Rehabilitation Medicine, Incheon St. Mary’s Hospital, College of Medicine, The Catholic University of Korea
Classification: Pathogenic for Hypertrichotic osteochondrodysplasia Cantu type. Review status: no assertion criteria provided. Collection method: clinical testing. Allele origin: de novo. Affected: yes. Not counted in ClinVar's aggregate classification.

Genome Diagnostics Laboratory, University Medical Center Utrecht
Classification: Pathogenic. Review status: no assertion criteria provided. Collection method: clinical testing. Allele origin: germline. Affected: yes. Study: VKGL Data-share Consensus. Not counted in ClinVar's aggregate classification.

Joint Genome Diagnostic Labs from Nijmegen and Maastricht, Radboudumc and MUMC+
Classification: Pathogenic. Review status: no assertion criteria provided. Collection method: clinical testing. Allele origin: germline. Affected: yes. Study: VKGL Data-share Consensus. Not counted in ClinVar's aggregate classification.

Literature cited by the submitters: PubMed 22610116 (cited by 4 submitters); PubMed 21344641 (cited by Ambry Genetics and OMIM); PubMed 23307537 (cited by Ambry Genetics and Labcorp Genetics (formerly Invitae), Labcorp); PubMed 25590979 (cited by Ambry Genetics and Labcorp Genetics (formerly Invitae), Labcorp); PubMed 27247394 (cited by Ambry Genetics); PubMed 27316244 (cited by Ambry Genetics and Labcorp Genetics (formerly Invitae), Labcorp).

NM_020297.4(ABCC9):c.3346C>T (p.Arg1116Cys)

Gene: ABCC9 (ATP binding cassette subfamily C member 9; minus strand). Cytogenetic location: 12p12.1.
Variant type: single nucleotide variant.
Coding change: c.3346C>T on transcript NM_020297.4 (MANE Select); coding-DNA position 3346, C replaced by T.
Protein change: p.Arg1116Cys; replaces arginine 1116 with cysteine.
Molecular consequence: missense variant.
Genome position (GRCh38, 1-based): chr12:21,842,441, G>A on the plus strand (C>T on the coding strand, the complement: ABCC9 is on the minus strand). VCF-style: chr12-21842441-G-A. GRCh37 (hg19) VCF-style: chr12-21995375-G-A.
Other names: c.3346C>T, p.Arg1116Cys (NM_001377273.1, NM_005691.4); c.2479C>T, p.Arg827Cys (NM_001377274.1); c.3346C>T (NM_020297.2); short protein forms R1116C, R827C.
Identifiers: ClinVar variation 35534 (VCV000035534.27), dbSNP rs387907228, ClinGen allele CA260087.